The following is an entry in ClinVar:

ClinVar aggregate classification (germline): Uncertain significance (1 of 4 stars; one submission).

Conditions:
Arginine:glycine amidinotransferase deficiency (CCDS3). Also called: L-Arginine:Glycine Amidinotransferase (AGAT) Deficiency; AGAT deficiency; L-Arginine:Glycine Amidinotransferase Deficiency; Creatine deficiency syndrome due to AGAT deficiency; GATM deficiency; Cerebral creatine deficiency syndrome 3. Identifiers: Orphanet 35704, MedGen C2675179, MONDO:0012996, OMIM 612718.

Submission:

Labcorp Genetics (formerly Invitae), Labcorp
Classification: Uncertain significance for Arginine:glycine amidinotransferase deficiency. Last evaluated: 2023-10-02. Review status: criteria provided, single submitter. Criteria: Invitae Variant Classification Sherloc (09022015). Collection method: clinical testing. Allele origin: germline.
Comment: This sequence change replaces isoleucine, which is neutral and non-polar, with methionine, which is neutral and non-polar, at codon 310 of the GATM protein (p.Ile310Met). This variant is not present in population databases (gnomAD no frequency). This variant has not been reported in the literature in individuals affected with GATM-related conditions. Advanced modeling of protein sequence and biophysical properties (such as structural, functional, and spatial information, amino acid conservation, physicochemical variation, residue mobility, and thermodynamic stability) has been performed at Invitae for this missense variant, however the output from this modeling did not meet the statistical confidence thresholds required to predict the impact of this variant on GATM protein function. In summary, the available evidence is currently insufficient to determine the role of this variant in disease. Therefore, it has been classified as a Variant of Uncertain Significance.

NM_001482.3(GATM):c.930C>G (p.Ile310Met)

Gene: GATM (glycine amidinotransferase; minus strand). Cytogenetic location: 15q21.1.
Variant type: single nucleotide variant.
Coding change: c.930C>G on transcript NM_001482.3 (MANE Select); coding-DNA position 930, C replaced by G.
Protein change: p.Ile310Met; replaces isoleucine 310 with methionine.
Molecular consequence: missense variant.
Genome position (GRCh38, 1-based): chr15:45,366,094, G>C on the plus strand (C>G on the coding strand, the complement: GATM is on the minus strand). VCF-style: chr15-45366094-G-C. GRCh37 (hg19) VCF-style: chr15-45658292-G-C.
Other names: c.543C>G, p.Ile181Met (NM_001321015.2); short protein forms I181M, I310M.
Identifiers: ClinVar variation 2758548 (VCV002758548.3), dbSNP rs2140641456, ClinGen allele CA392257615.